The following is an entry in ClinVar:

NM_000038.6(APC):c.4508C>T (p.Ser1503Leu)

Gene: APC (APC regulator of Wnt signaling pathway; plus strand). Cytogenetic location: 5q22.2.
Variant type: single nucleotide variant.
Coding change: c.4508C>T on transcript NM_000038.6 (MANE Select); coding-DNA position 4508, C replaced by T.
Protein change: p.Ser1503Leu; replaces serine 1503 with leucine.
Molecular consequence: missense variant.
Genome position (GRCh38, 1-based): chr5:112,840,102, C>T. VCF-style: chr5-112840102-C-T. GRCh37 (hg19) VCF-style: chr5-112175799-C-T.
Other names: c.4508C>T, p.Ser1503Leu (NM_001127510.3, NM_001354895.2, NM_001407450.1); c.4454C>T, p.Ser1485Leu (NM_001127511.3); c.4562C>T, p.Ser1521Leu (NM_001354896.2, NM_001407447.1, NM_001407448.1 and 1 more transcripts); c.4538C>T, p.Ser1513Leu (NM_001354897.2); c.4433C>T, p.Ser1478Leu (NM_001354898.2); c.4424C>T, p.Ser1475Leu (NM_001354899.2); c.4385C>T, p.Ser1462Leu (NM_001354900.2); c.4331C>T, p.Ser1444Leu (NM_001354901.2, NM_001407453.1); and 11 more; short protein forms S1412L, S1503L, S1343L, S1402L, S1462L, S1475L, S1478L, S1119L.
Identifiers: ClinVar variation 1900089 (VCV001900089.5), dbSNP rs2149916356, ClinGen allele CA16031198.

ClinVar aggregate classification (germline): Uncertain significance (1 of 4 stars; one submission).

Conditions:
Familial adenomatous polyposis 1 (FAP1). Also called: FAMILIAL ADENOMATOUS POLYPOSIS 1, ATTENUATED; POLYPOSIS, ADENOMATOUS INTESTINAL. Identifiers: MedGen C2713442, MONDO:0021056, OMIM 175100. Disease mechanism: loss of function.

Submission:

Labcorp Genetics (formerly Invitae), Labcorp
Classification: Uncertain significance for Familial adenomatous polyposis 1. Last evaluated: 2023-08-30. Review status: criteria provided, single submitter. Criteria: Invitae Variant Classification Sherloc (09022015). Collection method: clinical testing. Allele origin: germline.
Comment: In summary, the available evidence is currently insufficient to determine the role of this variant in disease. Therefore, it has been classified as a Variant of Uncertain Significance. Advanced modeling of protein sequence and biophysical properties (such as structural, functional, and spatial information, amino acid conservation, physicochemical variation, residue mobility, and thermodynamic stability) performed at Invitae indicates that this missense variant is not expected to disrupt APC protein function. ClinVar contains an entry for this variant (Variation ID: 1900089). This variant has not been reported in the literature in individuals affected with APC-related conditions. This variant is not present in population databases (gnomAD no frequency). This sequence change replaces serine, which is neutral and polar, with leucine, which is neutral and non-polar, at codon 1503 of the APC protein (p.Ser1503Leu).